The following is an entry in ClinVar:

NM_001278512.2(AP3B2):c.471G>T (p.Met157Ile)

Genes: AP3B2 (adaptor related protein complex 3 subunit beta 2; minus strand), CPEB1-AS1 (CPEB1 antisense RNA 1; plus strand). Cytogenetic location: 15q25.2.
Variant type: single nucleotide variant.
Coding change: c.471G>T on transcript NM_001278512.2 (MANE Select); coding-DNA position 471, G replaced by T.
Protein change: p.Met157Ile; replaces methionine 157 with isoleucine.
Molecular consequence: missense variant.
Genome position (GRCh38, 1-based): chr15:82,681,470, C>A on the plus strand (G>T on the coding strand, the complement: AP3B2 is on the minus strand). VCF-style: chr15-82681470-C-A. GRCh37 (hg19) VCF-style: chr15-83350222-C-A.
Other names: c.375G>T, p.Met125Ile (NM_001278511.2); c.471G>T, p.Met157Ile (NM_004644.5); short protein forms M125I, M157I.
Identifiers: ClinVar variation 1507496 (VCV001507496.8), dbSNP rs2151441630, ClinGen allele CA393297203.
Genomic context (GRCh38, chr15:82,681,470, plus strand): 5'-TGGGGCATACCTGTAGAGTTTAGGGATGGCGTGGGCAGCTGTTTTCCGCACATAGGGTGA[C>A]ATGTCCGAGGCGGCTTCCTTGATAGCTAGCATCATGATGGGCACTATGATGGGCACACGG-3'
Protein context (NP_001265441.1, residues 147-167): MLAIKEAASD[Met157Ile]SPYVRKTAAH

ClinVar aggregate classification (germline): Uncertain significance (1 of 4 stars; one submission).

Submission:

Labcorp Genetics (formerly Invitae), Labcorp
Classification: Uncertain significance. Last evaluated: 2022-06-13. Review status: criteria provided, single submitter. Criteria: Invitae Variant Classification Sherloc (09022015). Collection method: clinical testing. Allele origin: germline.
Comment: In summary, the available evidence is currently insufficient to determine the role of this variant in disease. Therefore, it has been classified as a Variant of Uncertain Significance. Algorithms developed to predict the effect of missense changes on protein structure and function (SIFT, PolyPhen-2, Align-GVGD) all suggest that this variant is likely to be tolerated. This variant has not been reported in the literature in individuals affected with AP3B2-related conditions. This variant is not present in population databases (gnomAD no frequency). This sequence change replaces methionine, which is neutral and non-polar, with isoleucine, which is neutral and non-polar, at codon 157 of the AP3B2 protein (p.Met157Ile).